The following is an entry in ClinVar:

ClinVar aggregate classification (germline): Uncertain significance (1 of 4 stars; one submission).

Conditions:
Charcot-Marie-Tooth disease axonal type 2C (HMSN2C). Also called: CHARCOT-MARIE-TOOTH DISEASE, AXONAL, AUTOSOMAL DOMINANT, TYPE 2C; Charcot-Marie-Tooth Neuropathy Type 2C; Charcot-Marie-Tooth Disease Type 2, TRPV4-Related (CMT2C). Identifiers: Orphanet 99937, MedGen C1853710, MONDO:0011633, OMIM 606071.

Submission:

Labcorp Genetics (formerly Invitae), Labcorp
Classification: Uncertain significance for Charcot-Marie-Tooth disease axonal type 2C. Last evaluated: 2023-03-09. Review status: criteria provided, single submitter. Criteria: Invitae Variant Classification Sherloc (09022015). Collection method: clinical testing. Allele origin: germline.
Comment: In summary, the available evidence is currently insufficient to determine the role of this variant in disease. Therefore, it has been classified as a Variant of Uncertain Significance. This variant has not been reported in the literature in individuals affected with TRPV4-related conditions. This variant is not present in population databases (gnomAD no frequency). This sequence change creates a premature translational stop signal (p.Gln317Argfs*59) in the TRPV4 gene. It is expected to result in an absent or disrupted protein product. However, the current clinical and genetic evidence is not sufficient to establish whether loss-of-function variants in TRPV4 cause disease.

NM_021625.5(TRPV4):c.949del (p.Gln317fs)

Gene: TRPV4 (transient receptor potential cation channel subfamily V member 4; minus strand). Cytogenetic location: 12q24.11.
Variant type: Deletion.
Coding change: c.949del on transcript NM_021625.5 (MANE Select); coding-DNA position 949, one base deleted (C; older notation c.949delC).
Protein change: p.Gln317fs; shifts the reading frame from glutamine 317.
Molecular consequence: frameshift variant.
Genome position (GRCh38, 1-based): chr12:109,798,817, G deleted on the plus strand (C on the coding strand, the reverse complement: TRPV4 is on the minus strand); the first of 2 consecutive G bases (chr12:109,798,817-109,798,818); deleting either gives the same sequence. VCF-style (leftmost placement, unchanged base first): chr12-109798816-TG-T. GRCh37 (hg19) VCF-style: chr12-110236621-TG-T.
Other names: c.807delC, p.Gln270Argfs (NM_001177428.2, NM_001177433.2); c.846delC, p.Gln283Argfs (NM_001177431.2); c.948delC, p.Gln317Argfs (NM_147204.3); short protein forms Q283fs, Q270fs, Q317fs.
Identifiers: ClinVar variation 2844591 (VCV002844591.3), dbSNP rs2548750014, ClinGen allele CA2739277303.
Genomic context (GRCh38, chr12:109,798,816, plus strand): 5'-TCACGGGTGTTGTCAGCAATGGCCACCAGCGCATGCAGCACTGTGTTGCCTCGCGAGTCC[TG>T]GCGCCGCATGTCCGCCTTCTTGTGGGGGTTCTCCGTCAGGTAGTTGACAATGTGGGGCTG-3'